The following is an entry in ClinVar:

NM_138773.4(SLC25A46):c.563+4C>A

Gene: SLC25A46 (solute carrier family 25 member 46; plus strand). Cytogenetic location: 5q22.1.
Variant type: single nucleotide variant.
Coding change: c.563+4C>A on transcript NM_138773.4 (MANE Select); 4 bases into the intron after coding-DNA position 563, C replaced by A.
Molecular consequence: intron variant.
Genome position (GRCh38, 1-based): chr5:110,748,267, C>A. VCF-style: chr5-110748267-C-A. GRCh37 (hg19) VCF-style: chr5-110083968-C-A.
Other names: c.290+4C>A (NM_001303250.3); c.563+4C>A (NM_001303249.3).
Identifiers: ClinVar variation 1439065 (VCV001439065.6), dbSNP rs999030471, ClinGen allele CA125343513.

ClinVar aggregate classification (germline): Uncertain significance (1 of 4 stars; one submission).

Conditions:
Neuropathy, hereditary motor and sensory, type 6B (HMSN6B). Also called: HMSN VIB; CHARCOT-MARIE-TOOTH DISEASE, TYPE 6B; NEUROPATHY, HEREDITARY MOTOR AND SENSORY, TYPE VIB, WITH OPTIC ATROPHY; Neuropathy, hereditary motor and sensory, type VIB. Identifiers: MedGen C4225302, MONDO:0014671, OMIM 616505.

Allele frequency attached by ClinVar (database versions not stated): TOPMed 0.00001.

Submission:

Labcorp Genetics (formerly Invitae), Labcorp
Classification: Uncertain significance for Neuropathy, hereditary motor and sensory, type 6B. Last evaluated: 2021-11-29. Review status: criteria provided, single submitter. Criteria: Invitae Variant Classification Sherloc (09022015). Collection method: clinical testing. Allele origin: germline.
Comment: This sequence change falls in intron 5 of the SLC25A46 gene. It does not directly change the encoded amino acid sequence of the SLC25A46 protein. It affects a nucleotide within the consensus splice site. This variant is not present in population databases (gnomAD no frequency). This variant has not been reported in the literature in individuals affected with SLC25A46-related conditions. Variants that disrupt the consensus splice site are a relatively common cause of aberrant splicing (PMID: 17576681, 9536098). Algorithms developed to predict the effect of sequence changes on RNA splicing suggest that this variant may create or strengthen a splice site. In summary, the available evidence is currently insufficient to determine the role of this variant in disease. Therefore, it has been classified as a Variant of Uncertain Significance.

Literature cited by the submitters: PubMed 17576681; PubMed 9536098.